The following is an entry in ClinVar:

ClinVar aggregate classification (germline): Pathogenic (1 of 4 stars; one submission).

Conditions:
Alagille syndrome due to a JAG1 point mutation. Also called: HEPATIC DUCTULAR HYPOPLASIA, SYNDROMATIC; Alagille Syndrome 1; JAG1-Related Alagille Syndrome. Identifiers: Orphanet 261619, Orphanet 52, MedGen C1956125, MONDO:0016862, OMIM 118450.

Submission:

Sfax Medical Genetics Laboratory, Laboratoire Ksentini
Classification: Pathogenic for Alagille syndrome due to a JAG1 point mutation. Review status: criteria provided, single submitter. Criteria: ACMG Guidelines, 2015. Collection method: clinical testing. Allele origin: unknown. Inheritance: Autosomal dominant inheritance. Affected: yes. Observed: 1 heterozygote.
Comment: JAG1:c.3029del is a frameshift deletion in JAG1 gene that results in the loss of a single nucleotide at position 3029 of cDNA, and leads to a frameshift taht changes the asparagine codon at position 1010 to a methionine and creates a premature termination codon (p.Asn1010Metfs*26). This variant is absent in Dataset gnomAD v4.1.0 (PM2). Loss of function is a known mechanism of disease, protein product is predicted to undergo NMD (PVS1). In summary, this variant meets criteria to be classified as pathogenic for Alagille syndrome: PM2, PVS1, PP4

NM_000214.3(JAG1):c.3029del (p.Asn1010fs)

Gene: JAG1 (jagged canonical Notch ligand 1; minus strand). Cytogenetic location: 20p12.2.
Variant type: Deletion.
Coding change: c.3029del on transcript NM_000214.3 (MANE Select); coding-DNA position 3029, one base deleted (A; older notation c.3029delA).
Protein change: p.Asn1010fs; shifts the reading frame from asparagine 1010.
Molecular consequence: frameshift variant.
Genome position (GRCh38, 1-based): chr20:10,641,132, T deleted on the plus strand (A on the coding strand, the reverse complement: JAG1 is on the minus strand); the first of 2 consecutive T bases (chr20:10,641,132-10,641,133); deleting either gives the same sequence. VCF-style (leftmost placement, unchanged base first): chr20-10641131-AT-A. GRCh37 (hg19) VCF-style: chr20-10621779-AT-A.
Other names: short protein forms N1010fs.
Identifiers: ClinVar variation 4277298 (VCV004277298.1).
Genomic context (GRCh38, chr20:10,641,131, plus strand): 5'-CTTGCCATCGAATAATGAGGTGTGAATGGGTCTTATACTTACAATGGCCACATGTATTTC[AT>A]TGTTCGCTGAAGGGGAAGGCTCGCAAGCGATGTAGATTGAATATTCAGCGGAAACATTCT-3'